The following is an entry in ClinVar:

ClinVar aggregate classification (germline): Benign/Likely benign. Review status: criteria provided, multiple submitters, no conflicts (2 of 4 stars). 2 submissions from 2 submitters: Benign (1); Likely benign (1). Last evaluated 2024-12-31.

Conditions:
Hereditary cancer-predisposing syndrome. Also called: Hereditary Cancer Syndrome; Hereditary neoplastic syndrome; Tumor predisposition; Neoplastic Syndromes, Hereditary. Identifiers: Orphanet 140162, MedGen C0027672, MeSH D009386, MONDO:0015356.
Lynch syndrome 5 (LYNCH5). Also called: Hereditary non-polyposis colorectal cancer, type 5; Colorectal cancer, hereditary nonpolyposis, type 5. Identifiers: Orphanet 144, MedGen C1833477, MONDO:0013710, OMIM 614350. Disease mechanism: loss of function.

Allele frequency attached by ClinVar (database versions not stated): TOPMed below 0.00001; gnomAD 0.00001.
gnomAD v4.1: 1 of 1,614,042 alleles (0.000062%); highest among the groups gnomAD compares: African/African-American, 0.0013%; no homozygotes.

Submissions (2):

Myriad Genetics, Inc.
Classification: Benign for Lynch syndrome 5. Last evaluated: 2024-12-31. Review status: criteria provided, single submitter. Criteria: Myriad Autosomal Dominant, Autosomal Recessive and X-Linked Classification Criteria (2023). Collection method: clinical testing. Allele origin: unknown.
Comment: This variant is considered benign. This variant is a silent/synonymous amino acid change and it is not expected to impact splicing.

Ambry Genetics
Classification: Likely benign for Hereditary cancer-predisposing syndrome. Last evaluated: 2021-04-21. Review status: criteria provided, single submitter. Criteria: Ambry Variant Classification Scheme 2023. Collection method: clinical testing. Allele origin: germline.

NM_000179.3(MSH6):c.2358T>C (p.Tyr786=)

Gene: MSH6 (mutS homolog 6; plus strand). Cytogenetic location: 2p16.3.
Variant type: single nucleotide variant.
Coding change: c.2358T>C on transcript NM_000179.3 (MANE Select); coding-DNA position 2358, T replaced by C.
Protein change: p.Tyr786=; no amino-acid change (tyrosine 786 retained).
Molecular consequence: synonymous variant. On other transcripts: non-coding transcript variant (5), intron variant (3).
Genome position (GRCh38, 1-based): chr2:47,800,341, T>C. VCF-style: chr2-47800341-T-C. GRCh37 (hg19) VCF-style: chr2-48027480-T-C.
Other names: c.1968T>C, p.Tyr656= (NM_001281492.2); c.1452T>C, p.Tyr484= (NM_001281493.2, NM_001281494.2, NM_001406811.1 and 6 more transcripts); c.2454T>C, p.Tyr818= (NM_001406795.1, NM_001406802.1); c.2358T>C, p.Tyr786= (NM_001406796.1, NM_001406798.1, NM_001406800.1 and 2 more transcripts); c.2061T>C, p.Tyr687= (NM_001406797.1, NM_001406801.1, NM_001406805.1 and 10 more transcripts); c.1833T>C, p.Tyr611= (NM_001406799.1, NM_001406806.1, NM_001406807.1); c.2280T>C, p.Tyr760= (NM_001406804.1); c.2364T>C, p.Tyr788= (NM_001406813.1); and 4 more.
Identifiers: ClinVar variation 1790109 (VCV001790109.3), dbSNP rs923165627, ClinGen allele CA46710980.